The following is an entry in ClinVar:

ClinVar aggregate classification (germline): Conflicting classifications of pathogenicity. Review status: criteria provided, conflicting classifications (1 of 4 stars). 2 submissions from 2 submitters: Likely pathogenic (1); Uncertain significance (1). Last evaluated 2020-08-20.

Conditions:
Geleophysic dysplasia 2 (GPHYSD2). Identifiers: Orphanet 2623, MedGen C3280054, MONDO:0013612, OMIM 614185.
Ectopia lentis 1, isolated, autosomal dominant (ECTOL1). Identifiers: Orphanet 1885, MedGen C3541518, MONDO:0007514, OMIM 129600.
Progeroid and marfanoid aspect-lipodystrophy syndrome. Also called: MARFANOID-PROGEROID-LIPODYSTROPHY SYNDROME; MARFANOID-PROGEROID SYNDROME; MARFAN-PROGEROID-LIPODYSTROPHY SYNDROME; Marfan lipodystrophy syndrome. Identifiers: Orphanet 300382, MedGen C4310796, MONDO:0014831, OMIM 616914.
Marfan syndrome (MFS). Also called: Marfan's syndrome; Marfan syndrome, classic; MARFAN SYNDROME, TYPE I; Marfan syndrome type 1; FBN1-Related Marfan Syndrome. Identifiers: Orphanet 284963, Orphanet 558, MedGen C0024796, MONDO:0007947, OMIM 154700.
Stiff skin syndrome (SSKS). Identifiers: Orphanet 2833, MedGen C1861456, MONDO:0008492, OMIM 184900.
Acromicric dysplasia (ACMICD). Also called: Acromicric skeletal dysplasia. Identifiers: Orphanet 969, MedGen C0265287, MONDO:0007055, OMIM 102370.
Weill-Marchesani syndrome 2, dominant. Also called: FBN1-Related Weill-Marchesani Syndrome; Weill-Marchesani Syndrome, Autosomal Dominant. Identifiers: Orphanet 2084, MedGen C1869115, MONDO:0012013, OMIM 608328.
MASS syndrome (OCTD). Also called: MASS PHENOTYPE; OVERLAP CONNECTIVE TISSUE DISEASE. Identifiers: MedGen C1858556, MONDO:0011431, OMIM 604308.
Familial thoracic aortic aneurysm and aortic dissection (TAAD). Also called: Thoracic aortic aneurysms and dissections. Identifiers: Orphanet 91387, MedGen C4707243, MONDO:0019625.

Submissions (2):

Ambry Genetics
Classification: Likely pathogenic for Familial thoracic aortic aneurysm and aortic dissection. Last evaluated: 2020-08-20. Review status: criteria provided, single submitter. Criteria: Ambry Variant Classification Scheme 2023. Collection method: clinical testing. Allele origin: germline.
Comment: The p.G55A variant (also known as c.164G>C), located in coding exon 1 of the FBN1 gene, results from a G to C substitution at nucleotide position 164. The glycine at codon 55 is replaced by alanine, an amino acid with similar properties. However, this change occurs in the last base pair of coding exon 1, which makes it likely to have some effect on normal mRNA splicing. This variant, and another alteration at this position (p.G55E, c.164G>A) have been reported in Marfan syndrome cohorts (Stheneur C et al. Eur. J. Hum. Genet., 2009 Sep;17:1121-8; Wang WJ et al. J. Mol. Med., 2013 Jan;91:37-47). Both the amino acid and nucleotide positions are highly conserved in available vertebrate species. In silico splice site analysis predicts that this alteration will weaken the native splice donor site. In addition, as a missense substitution this is predicted to be inconclusive by in silico analysis. Based on the majority of available evidence to date, this variant is likely to be pathogenic.

Juno Genomics, Hangzhou Juno Genomics, Inc
Classification: Uncertain significance for Acromicric dysplasia; Ectopia lentis 1, isolated, autosomal dominant; Geleophysic dysplasia 2; MASS syndrome; Progeroid and marfanoid aspect-lipodystrophy syndrome; Marfan syndrome; Stiff skin syndrome; Weill-Marchesani syndrome 2, dominant. Review status: criteria provided, single submitter. Criteria: ACMG Guidelines, 2015. Collection method: clinical testing. Allele origin: germline. Affected: yes.
Comment: Absent from controls (or at extremely low frequency if recessive) in Genome Aggregation Database, Exome Sequencing Project, 1000 Genomes Project, or Exome Aggregation Consortium.;Patient's phenotype or family history is highly specific for a disease with a single genetic etiology.;Missense variant in a gene that has a low rate of benign missense variation and where missense variants are a common mechanism of disease.

Literature cited by the submitters: PubMed 19293843 (cited by Ambry Genetics); PubMed 22772377 (cited by Ambry Genetics).

NM_000138.5(FBN1):c.164G>C (p.Gly55Ala)

Gene: FBN1 (fibrillin 1; minus strand). Cytogenetic location: 15q21.1.
Variant type: single nucleotide variant.
Coding change: c.164G>C on transcript NM_000138.5 (MANE Select); coding-DNA position 164, G replaced by C.
Protein change: p.Gly55Ala; replaces glycine 55 with alanine.
Molecular consequence: missense variant.
Genome position (GRCh38, 1-based): chr15:48,644,606, C>G on the plus strand (G>C on the coding strand, the complement: FBN1 is on the minus strand). VCF-style: chr15-48644606-C-G. GRCh37 (hg19) VCF-style: chr15-48936803-C-G.
Other names: c.164G>C, p.Gly55Ala (NM_001406716.1, NM_001406717.1, NM_001406718.1); short protein forms G55A.
Identifiers: ClinVar variation 1777232 (VCV001777232.4), dbSNP rs2140787387, ClinGen allele CA392453403.